The following is an entry in ClinVar:

ClinVar aggregate classification (germline): Likely pathogenic (1 of 4 stars; one submission).

Submission:

Labcorp Genetics (formerly Invitae), Labcorp
Classification: Likely pathogenic. Last evaluated: 2022-10-20. Review status: criteria provided, single submitter. Criteria: Invitae Variant Classification Sherloc (09022015). Collection method: clinical testing. Allele origin: germline.
Comment: This sequence change affects an acceptor splice site in intron 16 of the ACAD9 gene. It is expected to disrupt RNA splicing. Variants that disrupt the donor or acceptor splice site typically lead to a loss of protein function (PMID: 16199547), and loss-of-function variants in ACAD9 are known to be pathogenic (PMID: 25721401). This variant is not present in population databases (gnomAD no frequency). In summary, the currently available evidence indicates that the variant is pathogenic, but additional data are needed to prove that conclusively. Therefore, this variant has been classified as Likely Pathogenic. Algorithms developed to predict the effect of sequence changes on RNA splicing suggest that this variant may disrupt the consensus splice site. This variant has not been reported in the literature in individuals affected with ACAD9-related conditions.

Literature cited by the submitters: PubMed 16199547; PubMed 25721401.

NM_014049.5(ACAD9):c.1693-2A>C

Genes: ACAD9 (acyl-CoA dehydrogenase family member 9; plus strand), CFAP92 (cilia and flagella associated protein 92 (putative); minus strand). Cytogenetic location: 3q21.3.
Variant type: single nucleotide variant.
Coding change: c.1693-2A>C on transcript NM_014049.5 (MANE Select); the canonical splice acceptor site of the intron before coding-DNA position 1693, A replaced by C.
Molecular consequence: splice acceptor variant. On other transcripts: intron variant (3).
Genome position (GRCh38, 1-based): chr3:128,910,739, A>C. VCF-style: chr3-128910739-A-C. GRCh37 (hg19) VCF-style: chr3-128629582-A-C.
Other names: c.1324-2A>C (NM_001410805.1); c.2312-406T>G (NM_001348521.2); c.2408-406T>G (NM_001348520.2); c.3281-406T>G (NM_001394090.1).
Identifiers: ClinVar variation 2036300 (VCV002036300.4), dbSNP rs1553734044, ClinGen allele CA354440421.
Genomic context (GRCh38, chr3:128,910,739, plus strand): 5'-TGAAGCTCAGAGGTCTGATTCCAGGAATTTGGGCATATCTTTTCTGTCCTCGGTTCTGGC[A>C]GGTTCTCTTGGCCAACACCTTCTGCGTGGAAGCTTACTTGCAGAATCTCTTCAGCCTCTC-3'